The following is an entry in ClinVar:

NM_001174147.2(LMX1B):c.326+1_326+2dup

Gene: LMX1B (LIM homeobox transcription factor 1 beta; plus strand). Cytogenetic location: 9q33.3.
Variant type: Duplication.
Coding change: c.326+1_326+2dup on transcript NM_001174147.2 (MANE Select); the canonical splice donor site of the intron after coding-DNA position 326, 2 bases duplicated (GT; older notation c.326+1_326+2dupGT).
Molecular consequence: splice donor variant.
Genome position (GRCh38, 1-based): chr9:126,615,570-126,615,571, GT duplicated. VCF-style (leftmost placement, unchanged base first): chr9-126615569-A-AGT. GRCh37 (hg19) VCF-style: chr9-129377848-A-AGT.
Other names: c.326+1_326+2dup (NM_001174146.2, NM_002316.4).
Identifiers: ClinVar variation 5038090 (VCV005038090.1).
Genomic context (GRCh38, chr9:126,615,569, plus strand): 5'-CCCTCACCACCAGCTGCTACTTCCGGGATCGGAAACTGTACTGCAAACAAGACTACCAAC[A>AGT]GTAAGCGCTTCTCGTCCTCCTTCCCCGCCACCGCCCGGCACTCGAGCCCGGTCAGCCCCC-3'

ClinVar aggregate classification (germline): Uncertain significance (1 of 4 stars; one submission).

Conditions:
Nail-patella syndrome (NPS). Also called: ONYCHOOSTEODYSPLASIA; TURNER-KIESER SYNDROME; FONG DISEASE. Identifiers: Orphanet 2614, MedGen C0027341, MONDO:0008061, OMIM 161200.

Submission:

MVZ Medizinische Genetik Mainz
Classification: Uncertain significance for Nail-patella syndrome. Last evaluated: 2026-04-22. Review status: criteria provided, single submitter. Criteria: UK Practice Guidelines For Variant Classification V4 01 2020. Collection method: clinical testing. Allele origin: germline. Inheritance: Autosomal dominant inheritance. Observed: 1 variant allele.
Comment: ACMG Criteria: PM2_SUP,PP4